The following is an entry in ClinVar:

ClinVar aggregate classification (germline): Uncertain significance (1 of 4 stars; one submission).

Submission:

GeneDx
Classification: Uncertain significance. Last evaluated: 2025-10-09. Review status: criteria provided, single submitter. Criteria: GeneDx Variant Classification Process June 2021. Collection method: clinical testing. Allele origin: germline.
Comment: Not observed at significant frequency in large population cohorts (gnomAD); In silico analysis suggests that this missense variant does not alter protein structure/function; Has not been previously published as pathogenic or benign to our knowledge

NM_020738.4(KIDINS220):c.4772G>A (p.Ser1591Asn)

Gene: KIDINS220 (kinase D interacting substrate 220; minus strand). Cytogenetic location: 2p25.1.
Variant type: single nucleotide variant.
Coding change: c.4772G>A on transcript NM_020738.4 (MANE Select); coding-DNA position 4772, G replaced by A.
Protein change: p.Ser1591Asn; replaces serine 1591 with asparagine.
Molecular consequence: missense variant. On other transcripts: intron variant (6).
Genome position (GRCh38, 1-based): chr2:8,731,264, C>T on the plus strand (G>A on the coding strand, the complement: KIDINS220 is on the minus strand). VCF-style: chr2-8731264-C-T. GRCh37 (hg19) VCF-style: chr2-8871394-C-T.
Other names: c.4775G>A, p.Ser1592Asn (NM_001348729.2); c.4718G>A, p.Ser1573Asn (NM_001348731.2); c.4715G>A, p.Ser1572Asn (NM_001348732.2); c.4604G>A, p.Ser1535Asn (NM_001348734.2); c.4601G>A, p.Ser1534Asn (NM_001348735.2); c.4475G>A, p.Ser1492Asn (NM_001348736.2); c.3882+2180G>A (NM_001348741.2, NM_001348742.2, NM_001348743.2); c.3996+2180G>A (NM_001348738.2); and 1 more; short protein forms S1492N, S1534N, S1535N, S1572N, S1573N, S1591N, S1592N.
Identifiers: ClinVar variation 4086517 (VCV004086517.2).
Genomic context (GRCh38, chr2:8,731,264, plus strand): 5'-TTTTCAAGCTGGGAGTCATCCGCCACTTCATTGTGCAGAGAGTGATTGGGAGAACTTTCA[C>T]TGGATCTCACTCCTGAATCCGATGAATCCTTTTTGTCAAGGAGCGCATCCGATAAATACT-3'
Protein context (NP_065789.1, residues 1581-1601): KDSSDSGVRS[Ser1591Asn]ESSPNHSLHN